The following is an entry in ClinVar:

NM_001082538.3(TCTN1):c.235G>T (p.Val79Phe)

Gene: TCTN1 (tectonic family member 1; plus strand). Cytogenetic location: 12q24.11.
Variant type: single nucleotide variant.
Coding change: c.235G>T on transcript NM_001082538.3 (MANE Select); coding-DNA position 235, G replaced by T.
Protein change: p.Val79Phe; replaces valine 79 with phenylalanine.
Molecular consequence: missense variant. On other transcripts: 5 prime UTR variant (1), non-coding transcript variant (1).
Genome position (GRCh38, 1-based): chr12:110,619,850, G>T. VCF-style: chr12-110619850-G-T. GRCh37 (hg19) VCF-style: chr12-111057655-G-T.
Other names: c.235G>T, p.Val79Phe (NM_001082537.3, NM_001319680.2, NM_024549.6); c.67G>T, p.Val23Phe (NM_001173975.3, NM_001319682.3); c.55G>T, p.Val19Phe (NM_001173976.2); c.-473G>T (NM_001319681.2); short protein forms V79F, V19F, V23F.
Identifiers: ClinVar variation 2104122 (VCV002104122.4), dbSNP rs1443781134, ClinGen allele CA386701249.

ClinVar aggregate classification (germline): Uncertain significance (1 of 4 stars; one submission).

Conditions:
Joubert syndrome. Also called: CEREBELLOPARENCHYMAL DISORDER IV; JOUBERT-BOLTSHAUSER SYNDROME; Familial aplasia of the vermis. Identifiers: Orphanet 475, MedGen C5979921, MONDO:0018772.
Meckel-Gruber syndrome. Also called: DYSENCEPHALIA SPLANCHNOCYSTICA; GRUBER SYNDROME; Dysencephalia splachnocystica. Identifiers: Orphanet 564, MedGen C0265215, MONDO:0018921.

Allele frequency attached by ClinVar (database versions not stated): gnomAD exomes below 0.00001.
gnomAD v4.1: 2 of 1,614,106 alleles (0.00012%); highest among the groups gnomAD compares: East Asian, 0.0045%; no homozygotes.

Submission:

Labcorp Genetics (formerly Invitae), Labcorp
Classification: Uncertain significance for Joubert syndrome; Meckel-Gruber syndrome. Last evaluated: 2022-02-27. Review status: criteria provided, single submitter. Criteria: Invitae Variant Classification Sherloc (09022015). Collection method: clinical testing. Allele origin: germline.
Comment: In summary, the available evidence is currently insufficient to determine the role of this variant in disease. Therefore, it has been classified as a Variant of Uncertain Significance. Algorithms developed to predict the effect of missense changes on protein structure and function are either unavailable or do not agree on the potential impact of this missense change (SIFT: "Deleterious"; PolyPhen-2: "Probably Damaging"; Align-GVGD: "Class C0"). This variant has not been reported in the literature in individuals affected with TCTN1-related conditions. This variant is not present in population databases (gnomAD no frequency). This sequence change replaces valine, which is neutral and non-polar, with phenylalanine, which is neutral and non-polar, at codon 79 of the TCTN1 protein (p.Val79Phe).